The following is an entry in ClinVar:

ClinVar aggregate classification (germline): Uncertain significance (1 of 4 stars; one submission).

Allele frequency attached by ClinVar (database versions not stated): ExAC 0.00001.
gnomAD v4.1: 1 of 1,614,052 alleles (0.000062%); no homozygotes.

Submission:

Ambry Genetics
Classification: Uncertain significance. Last evaluated: 2021-11-30. Review status: criteria provided, single submitter. Criteria: Ambry Variant Classification Scheme 2023. Collection method: clinical testing. Allele origin: germline.
Comment: The p.K588R variant (also known as c.1763A>G), located in coding exon 16 of the BUB1 gene, results from an A to G substitution at nucleotide position 1763. The lysine at codon 588 is replaced by arginine, an amino acid with highly similar properties. This amino acid position is conserved. In addition, this alteration is predicted to be tolerated by in silico analysis. Since supporting evidence is limited at this time, the clinical significance of this alteration remains unclear.

NM_004336.5(BUB1):c.1763A>G (p.Lys588Arg)

Gene: BUB1 (BUB1 mitotic checkpoint serine/threonine kinase; minus strand). Cytogenetic location: 2q13.
Variant type: single nucleotide variant.
Coding change: c.1763A>G on transcript NM_004336.5 (MANE Select); coding-DNA position 1763, A replaced by G.
Protein change: p.Lys588Arg; replaces lysine 588 with arginine.
Molecular consequence: missense variant.
Genome position (GRCh38, 1-based): chr2:110,655,852, T>C on the plus strand (A>G on the coding strand, the complement: BUB1 is on the minus strand). VCF-style: chr2-110655852-T-C. GRCh37 (hg19) VCF-style: chr2-111413429-T-C.
Other names: c.1703A>G, p.Lys568Arg (NM_001278616.2); c.1763A>G, p.Lys588Arg (NM_001278617.2); short protein forms K568R, K588R.
Identifiers: ClinVar variation 1779616 (VCV001779616.2), dbSNP rs753619023, ClinGen allele CA1827979.